The following is an entry in ClinVar:

ClinVar aggregate classification (germline): Benign/Likely benign. Review status: criteria provided, multiple submitters, no conflicts (2 of 4 stars). 8 submissions from 8 submitters: Benign (5); Likely benign (3). Last evaluated 2026-09-01.

Conditions:
Dyskeratosis congenita, autosomal dominant 6 (DKCA6). Identifiers: Orphanet 3322, MedGen C4225284, MONDO:0014690, OMIM 616553.
Inborn genetic diseases. Identifiers: MedGen C0950123, MeSH D030342.

Allele frequency attached by ClinVar (database versions not stated): gnomAD 0.00102; ESP Exome Variant Server 0.00123; TOPMed 0.00170; 1000 Genomes Project 30x 0.00172; 1000 Genomes Project 0.00180; ExAC 0.00249.
gnomAD v4.1: 3,656 of 1,606,706 alleles (0.23%); highest among the groups gnomAD compares: Middle Eastern, 0.83%; 13 homozygotes.

Submissions (8):

CeGaT Center for Human Genetics Tuebingen
Classification: Likely benign. Last evaluated: 2026-09-01. Review status: criteria provided, single submitter. Criteria: CeGaT Center For Human Genetics Tuebingen Variant Classification Criteria Version 2. Collection method: clinical testing. Allele origin: germline. Affected: yes. Observed: 28 variant alleles.
Comment: ACD: BP4, BP7

Labcorp Genetics (formerly Invitae), Labcorp
Classification: Benign for Dyskeratosis congenita, autosomal dominant 6. Last evaluated: 2026-01-28. Review status: criteria provided, single submitter. Criteria: Invitae Variant Classification Sherloc (09022015). Collection method: clinical testing. Allele origin: germline.

Center for Genomic Medicine, Rigshospitalet, Copenhagen University Hospital
Classification: Likely benign. Last evaluated: 2025-03-04. Review status: criteria provided, single submitter. Criteria: ACMG Guidelines, 2015. Collection method: clinical testing. Allele origin: germline.

Mayo Clinic Laboratories, Mayo Clinic
Classification: Benign. Last evaluated: 2023-10-06. Review status: criteria provided, single submitter. Criteria: ACMG Guidelines, 2015. Collection method: clinical testing. Allele origin: germline. Observed: 3 variant alleles.
Comment: BS1, BS2, BP4, BP7

Ambry Genetics
Classification: Likely benign for Inborn genetic diseases. Last evaluated: 2022-02-12. Review status: criteria provided, single submitter. Criteria: Ambry Variant Classification Scheme 2023. Collection method: clinical testing. Allele origin: germline.

Genome-Nilou Lab
Classification: Benign for Dyskeratosis congenita, autosomal dominant 6. Last evaluated: 2021-12-05. Review status: criteria provided, single submitter. Criteria: ACMG Guidelines, 2015. Collection method: clinical testing. Allele origin: germline. Affected: no.

Genetic Services Laboratory, University of Chicago
Classification: Benign. Last evaluated: 2019-03-20. Review status: criteria provided, single submitter. Criteria: ACMG Guidelines, 2015. Collection method: clinical testing. Allele origin: germline. Affected: no.

Breakthrough Genomics
Classification: Benign. Review status: criteria provided, single submitter. Criteria: ACMG Guidelines, 2015. Collection method: not provided. Allele origin: germline. Inheritance: Autosomal dominant inheritance. Affected: yes.

NM_001082486.2(ACD):c.132C>T (p.Gly44=)

Gene: ACD (ACD shelterin complex subunit and telomerase recruitment factor; minus strand). Cytogenetic location: 16q22.1.
Variant type: single nucleotide variant.
Coding change: c.132C>T on transcript NM_001082486.2 (MANE Select); coding-DNA position 132, C replaced by T.
Protein change: p.Gly44=; no amino-acid change (glycine 44 retained).
Molecular consequence: synonymous variant.
Genome position (GRCh38, 1-based): chr16:67,660,013, G>A on the plus strand (C>T on the coding strand, the complement: ACD is on the minus strand). VCF-style: chr16-67660013-G-A. GRCh37 (hg19) VCF-style: chr16-67693916-G-A.
Other names: p.Gly44=; c.132C>T, p.Gly44= (LRG_1237t1); c.123C>T, p.Gly41= (NM_022914.3).
Identifiers: ClinVar variation 434068 (VCV000434068.52), dbSNP rs138527794, ClinGen allele CA8114809.